The following is an entry in ClinVar:

NM_001384140.1(PCDH15):c.1366C>T (p.Gln456Ter)

Gene: PCDH15 (protocadherin related 15; minus strand). Cytogenetic location: 10q21.1.
Variant type: single nucleotide variant.
Coding change: c.1366C>T on transcript NM_001384140.1 (MANE Select); coding-DNA position 1366, C replaced by T.
Protein change: p.Gln456Ter; replaces glutamine 456 with a stop codon.
Molecular consequence: nonsense.
Genome position (GRCh38, 1-based): chr10:54,185,208, G>A on the plus strand (C>T on the coding strand, the complement: PCDH15 is on the minus strand). VCF-style: chr10-54185208-G-A. GRCh37 (hg19) VCF-style: chr10-55944968-G-A.
Other names: c.1381C>T, p.Gln461Ter (NM_001142763.2, NM_001142771.2); c.1366C>T, p.Gln456Ter (NM_001142764.2, NM_001142765.2, NM_001142766.2 and 6 more transcripts); c.1255C>T, p.Gln419Ter (NM_001142767.2); c.1300C>T, p.Gln434Ter (NM_001142768.2, NM_001142773.2, NM_001354404.2); c.1402C>T, p.Gln468Ter (NM_001142769.4); c.1387C>T, p.Gln463Ter (NM_001354411.2); short protein forms Q419*, Q434*, Q456*, Q461*, Q463*, Q468*.
Identifiers: ClinVar variation 3601605 (VCV003601605.1).

ClinVar aggregate classification (germline): Likely pathogenic (1 of 4 stars; one submission).

Conditions:
Autosomal recessive nonsyndromic hearing loss 23. Identifiers: Orphanet 90636, MedGen C1836027, MONDO:0012293, OMIM 609533.

Submission:

Institute of Rare Diseases, West China Hospital, Sichuan University
Classification: Likely pathogenic for Autosomal recessive nonsyndromic hearing loss 23. Last evaluated: 2025-01-09. Review status: criteria provided, single submitter. Criteria: ClinGen HL ACMG Specifications v1. Collection method: research. Allele origin: germline. Affected: yes.
Comment: PVS1;PM2_Supporting